The following is an entry in ClinVar:

NM_000426.4(LAMA2):c.9127G>T (p.Gly3043Trp)

Gene: LAMA2 (laminin subunit alpha 2; plus strand). Cytogenetic location: 6q22.33.
Variant type: single nucleotide variant.
Coding change: c.9127G>T on transcript NM_000426.4 (MANE Select); coding-DNA position 9127, G replaced by T.
Protein change: p.Gly3043Trp; replaces glycine 3043 with tryptophan.
Molecular consequence: missense variant.
Genome position (GRCh38, 1-based): chr6:129,514,511, G>T. VCF-style: chr6-129514511-G-T. GRCh37 (hg19) VCF-style: chr6-129835656-G-T.
Other names: c.9115G>T, p.Gly3039Trp (NM_001079823.2); short protein forms G3039W, G3043W.
Identifiers: ClinVar variation 2015526 (VCV002015526.4), dbSNP rs2533599479, ClinGen allele CA365636988.
Genomic context (GRCh38, chr6:129,514,511, plus strand): 5'-GGACAATGGCATAAAGTCACTGCCAACAAGATCAAACACCGCATTGAGCTCACAGTCGAT[G>T]GGAACCAGGTGGAAGCCCAAAGCCCAAACCCAGCATCTACATCAGCTGACACAAATGACC-3'
Protein context (NP_000417.3, residues 3033-3053): IKHRIELTVD[Gly3043Trp]NQVEAQSPNP

ClinVar aggregate classification (germline): Uncertain significance (1 of 4 stars; one submission).

Conditions:
LAMA2-related muscular dystrophy (LAMA2-RD). Also called: Laminin alpha 2-related dystrophy. Identifiers: MedGen C5679788, MONDO:0100228.

Submission:

Labcorp Genetics (formerly Invitae), Labcorp
Classification: Uncertain significance for LAMA2-related muscular dystrophy. Last evaluated: 2022-07-09. Review status: criteria provided, single submitter. Criteria: Invitae Variant Classification Sherloc (09022015). Collection method: clinical testing. Allele origin: germline.
Comment: Advanced modeling of protein sequence and biophysical properties (such as structural, functional, and spatial information, amino acid conservation, physicochemical variation, residue mobility, and thermodynamic stability) performed at Invitae indicates that this missense variant is not expected to disrupt LAMA2 protein function. In summary, the available evidence is currently insufficient to determine the role of this variant in disease. Therefore, it has been classified as a Variant of Uncertain Significance. This sequence change replaces glycine, which is neutral and non-polar, with tryptophan, which is neutral and slightly polar, at codon 3043 of the LAMA2 protein (p.Gly3043Trp). This variant is not present in population databases (gnomAD no frequency). This variant has not been reported in the literature in individuals affected with LAMA2-related conditions.